The following is an entry in ClinVar:

NM_015884.4(MBTPS2):c.119A>C (p.Asn40Thr)

Gene: MBTPS2 (membrane bound transcription factor peptidase, site 2; plus strand). Cytogenetic location: Xp22.12.
Variant type: single nucleotide variant.
Coding change: c.119A>C on transcript NM_015884.4 (MANE Select); coding-DNA position 119, A replaced by C.
Protein change: p.Asn40Thr; replaces asparagine 40 with threonine.
Molecular consequence: missense variant.
Genome position (GRCh38, 1-based): chrX:21,843,213, A>C. VCF-style: chrX-21843213-A-C. GRCh37 (hg19) VCF-style: chrX-21861331-A-C.
Other names: short protein forms N40T.
Identifiers: ClinVar variation 931186 (VCV000931186.7), dbSNP rs777980245, ClinGen allele CA412561443.

ClinVar aggregate classification (germline): Uncertain significance. Review status: criteria provided, multiple submitters, no conflicts (2 of 4 stars). 3 submissions from 3 submitters: Uncertain significance (3). Last evaluated 2025-10-01.

Conditions:
IFAP syndrome 1, with or without BRESHECK syndrome. Also called: IFAP syndrome with or without BRESHECK syndrome; ICHTHYOSIS FOLLICULARIS, ATRICHIA, AND PHOTOPHOBIA WITH OR WITHOUT BRAIN ANOMALIES, RETARDATION, ECTODERMAL DYSPLASIA, SKELETAL MALFORMATIONS, HIRSCHSPRUNG DISEASE, EAR/EYE ANOMALIES, CLEFT PALATE/CRYPTORCHIDISM, AND KIDNEY DYSPLASIA/HYPOPLASIA; IFAP SYNDROME 1. Identifiers: Orphanet 2273, Orphanet 85284, MedGen C5399971, MONDO:0100213, OMIM 308205.
Inborn genetic diseases. Identifiers: MedGen C0950123, MeSH D030342.

Allele frequency attached by ClinVar (database versions not stated): TOPMed 0.00001.
gnomAD v4.1: 18 of 1,208,706 alleles (0.0015%); highest among the groups gnomAD compares: Non-Finnish European, 0.002%; no homozygotes.

Submissions (3):

Labcorp Genetics (formerly Invitae), Labcorp
Classification: Uncertain significance. Last evaluated: 2025-10-01. Review status: criteria provided, single submitter. Criteria: Invitae Variant Classification Sherloc (09022015). Collection method: clinical testing. Allele origin: germline.
Comment: This sequence change replaces asparagine, which is neutral and polar, with threonine, which is neutral and polar, at codon 40 of the MBTPS2 protein (p.Asn40Thr). This variant is present in population databases (no rsID available, gnomAD 0.001%). This missense change has been observed in individual(s) with MBTPS2-related conditions (PMID: 34946966). ClinVar contains an entry for this variant (Variation ID: 931186). Invitae Evidence Modeling of protein sequence and biophysical properties (such as structural, functional, and spatial information, amino acid conservation, physicochemical variation, residue mobility, and thermodynamic stability) indicates that this missense variant is not expected to disrupt MBTPS2 protein function with a negative predictive value of 95%. In summary, the available evidence is currently insufficient to determine the role of this variant in disease. Therefore, it has been classified as a Variant of Uncertain Significance.

Ambry Genetics
Classification: Uncertain significance for Inborn genetic diseases. Last evaluated: 2022-05-04. Review status: criteria provided, single submitter. Criteria: Ambry Variant Classification Scheme 2023. Collection method: clinical testing. Allele origin: germline.

Centre for Mendelian Genomics, University Medical Centre Ljubljana
Classification: Uncertain significance for IFAP syndrome 1, with or without BRESHECK syndrome. Last evaluated: 2020-04-02. Review status: criteria provided, single submitter. Criteria: ACMG Guidelines, 2015. Collection method: clinical testing. Allele origin: unknown. Affected: yes.
Comment: This variant was classified as: Uncertain significance. The available evidence on this variant's pathogenicity is insufficient or conflicting. The following ACMG criteria were applied in classifying this variant: PP2,BP4. This variant was detected in hemizygous state.

Literature cited by the submitters: PubMed 34946966 (cited by Labcorp Genetics (formerly Invitae), Labcorp).